The following is an entry in ClinVar:

NM_000018.4(ACADVL):c.1434+14T>A

Gene: ACADVL (acyl-CoA dehydrogenase very long chain; plus strand). Cytogenetic location: 17p13.1.
Variant type: single nucleotide variant.
Coding change: c.1434+14T>A on transcript NM_000018.4 (MANE Select); 14 bases into the intron after coding-DNA position 1434, T replaced by A.
Molecular consequence: intron variant.
Genome position (GRCh38, 1-based): chr17:7,224,083, T>A. VCF-style: chr17-7224083-T-A. GRCh37 (hg19) VCF-style: chr17-7127402-T-A.
Other names: c.1503+14T>A (NM_001270447.2); c.1206+14T>A (NM_001270448.2); c.1368+14T>A (NM_001033859.3).
Identifiers: ClinVar variation 194313 (VCV000194313.67), dbSNP rs202217537, ClinGen allele CA274996.
Genomic context (GRCh38, chr17:7,224,083, plus strand): 5'-GGACAAATGACATTCTTCGGCTGTTTGTGGCTCTGCAGGGCTGTATGGTAAGACAGAGAA[T>A]TGGGTGGGGGTAGAGGTGGGGAGGACAGTGAGTCCTGACTGCTGGACCCTCTTCCCCCAT-3'

ClinVar aggregate classification (germline): Conflicting classifications of pathogenicity. Review status: criteria provided, conflicting classifications (1 of 4 stars). 10 submissions from 10 submitters: Uncertain significance (1); Benign (1); Likely benign (6). 2 of the submissions do not count toward it. Last evaluated 2026-08-01.

Conditions:
Inborn genetic diseases. Identifiers: MedGen C0950123, MeSH D030342.
Very long chain acyl-CoA dehydrogenase deficiency (ACADVLD). Also called: Very Long-Chain Acyl-Coenzyme A Dehydrogenase Deficiency; VLCAD Deficiency. Identifiers: Orphanet 26793, MedGen C3887523, MONDO:0008723, OMIM 201475.

Allele frequency attached by ClinVar (database versions not stated): 1000 Genomes Project 0.00040; 1000 Genomes Project 30x 0.00047; ESP Exome Variant Server 0.00085; TOPMed 0.00117.
gnomAD v4.1: 3,050 of 1,613,812 alleles (0.19%); highest among the groups gnomAD compares: Non-Finnish European, 0.24%; 6 homozygotes.

Submissions (10):

CeGaT Center for Human Genetics Tuebingen
Classification: Likely benign. Last evaluated: 2026-08-01. Review status: criteria provided, single submitter. Criteria: CeGaT Center For Human Genetics Tuebingen Variant Classification Criteria Version 2. Collection method: clinical testing. Allele origin: germline. Affected: yes. Observed: 4 variant alleles.
Comment: ACADVL: BS1

Labcorp Genetics (formerly Invitae), Labcorp
Classification: Benign for Very long chain acyl-CoA dehydrogenase deficiency. Last evaluated: 2026-02-01. Review status: criteria provided, single submitter. Criteria: Invitae Variant Classification Sherloc (09022015). Collection method: clinical testing. Allele origin: germline.

Blueprint Genetics
Classification: Likely benign. Last evaluated: 2024-11-01. Review status: criteria provided, single submitter. Criteria: ACMG Guidelines, 2015. Collection method: clinical testing. Allele origin: germline.

Ambry Genetics
Classification: Likely benign for Inborn genetic diseases. Last evaluated: 2024-02-09. Review status: criteria provided, single submitter. Criteria: Ambry Variant Classification Scheme 2023. Collection method: clinical testing. Allele origin: germline.

ARUP Laboratories, Molecular Genetics and Genomics, ARUP Laboratories
Classification: Likely benign for Very long chain acyl-CoA dehydrogenase deficiency. Last evaluated: 2020-11-15. Review status: criteria provided, single submitter. Criteria: ARUP Molecular Germline Variant Investigation Process 2021. Collection method: clinical testing. Allele origin: germline.

GeneDx
Classification: Likely benign. Last evaluated: 2017-05-15. Review status: criteria provided, single submitter. Criteria: GeneDx Variant Classification (06012015). Collection method: clinical testing. Allele origin: germline. Affected: yes.
Comment: This variant is considered likely benign or benign based on one or more of the following criteria: it is a conservative change, it occurs at a poorly conserved position in the protein, it is predicted to be benign by multiple in silico algorithms, and/or has population frequency not consistent with disease.

Eurofins Ntd Llc (ga)
Classification: Uncertain significance. Last evaluated: 2014-10-16. Review status: criteria provided, single submitter. Criteria: EGL Classification Definitions 2015. Collection method: clinical testing. Allele origin: germline. Observed: 3 variant alleles, 3 heterozygotes.

PreventionGenetics, part of Exact Sciences
Classification: Likely benign. Review status: criteria provided, single submitter. Criteria: ACMG Guidelines, 2015. Collection method: clinical testing. Allele origin: germline.

Counsyl
Classification: Likely benign for Very long chain acyl-CoA dehydrogenase deficiency. Last evaluated: 2017-12-28. Review status: no assertion criteria provided. Collection method: clinical testing. Allele origin: unknown. Not counted in ClinVar's aggregate classification.

Wong Mito Lab, Molecular and Human Genetics, Baylor College of Medicine
Classification: Uncertain significance for Very long chain acyl-CoA dehydrogenase deficiency. Last evaluated: 2019-11-01. Review status: flagged submission. Criteria: ACMG Guidelines, 2015. Collection method: clinical testing. Allele origin: germline. Not counted in ClinVar's aggregate classification.
Comment: The NM_000018.3:c.1434+14T>A (NP_000009.1:p.?) [GRCH38: NC_000017.11:g.7224083T>A] variant in ACADVL gene is interpretated to be Uncertain Significance based on ACMG guidelines (PMID: 25741868). This variant has been reported. This variant dose not meet any evidence codes reported in the ACMG guidelines.
ClinVar note: Reason: Outlier claim with insufficient supporting evidence